The following is an entry in ClinVar:

NM_001042492.3(NF1):c.2032C>G (p.Pro678Ala)

Gene: NF1 (neurofibromin 1; plus strand). Cytogenetic location: 17q11.2.
Variant type: single nucleotide variant.
Coding change: c.2032C>G on transcript NM_001042492.3 (MANE Select); coding-DNA position 2032, C replaced by G.
Protein change: p.Pro678Ala; replaces proline 678 with alanine.
Molecular consequence: missense variant.
Genome position (GRCh38, 1-based): chr17:31,226,465, C>G. VCF-style: chr17-31226465-C-G. GRCh37 (hg19) VCF-style: chr17-29553483-C-G.
Other names: c.2032C>G, p.Pro678Ala (NM_000267.4); short protein forms P678A.
Identifiers: ClinVar variation 231733 (VCV000231733.20), dbSNP rs758691069, ClinGen allele CA8485912.

ClinVar aggregate classification (germline): Conflicting classifications of pathogenicity. Review status: criteria provided, conflicting classifications (1 of 4 stars). 9 submissions from 8 submitters: Uncertain significance (7); Benign (1); Likely benign (1). Last evaluated 2026-01-19.

Conditions:
Cardiovascular phenotype. Identifiers: MedGen CN230736.
Hereditary cancer-predisposing syndrome. Also called: Tumor predisposition; Hereditary neoplastic syndrome; Hereditary Cancer Syndrome; Neoplastic Syndromes, Hereditary. Identifiers: Orphanet 140162, MedGen C0027672, MeSH D009386, MONDO:0015356.
Neurofibromatosis, type 1 (NF1). Also called: VON RECKLINGHAUSEN DISEASE; Peripheral type neurofibromatosis; NEUROFIBROMATOSIS, TYPE I, SOMATIC; Neurofibromatosis, type I. Identifiers: Orphanet 636, MedGen C0027831, MONDO:0018975, OMIM 162200. Disease mechanism: loss of function.

Allele frequency attached by ClinVar (database versions not stated): gnomAD 0.00013.
gnomAD v4.1: 19 of 1,613,608 alleles (0.0012%); highest among the groups gnomAD compares: African/African-American, 0.012%; no homozygotes.

Submissions (9):

Labcorp Genetics (formerly Invitae), Labcorp
Classification: Benign for Neurofibromatosis, type 1. Last evaluated: 2026-01-19. Review status: criteria provided, single submitter. Criteria: Invitae Variant Classification Sherloc (09022015). Collection method: clinical testing. Allele origin: germline.

Dasa
Classification: Uncertain significance. Last evaluated: 2025-05-27. Review status: criteria provided, single submitter. Criteria: DASA Assertion Criteria. Collection method: clinical testing. Allele origin: germline.
Comment: NM_001042492.3(NF1):c.2032C>G (p.Pro678Ala) is a missense variant that results in the substitution of proline with alanine. This variant is rare in population databases. Computational prediction algorithms are consistent with a benign effect. The currently available literature and clinical evidence are not sufficient to establish a definitive association between this variant and the reported condition. Therefore, this variant is classified as a variant of uncertain significance.

St. Jude Molecular Pathology, St. Jude Children's Research Hospital
Classification: Uncertain significance for Neurofibromatosis, type 1. Last evaluated: 2023-11-28. Review status: criteria provided, single submitter. Criteria: St. Jude Assertion Criteria 2020. Collection method: clinical testing. Allele origin: germline.
Comment: The NF1 c.2032C>G (p.Pro678Ala) change has a maximum subpopulation frequency of 0.020% in gnomAD v2.1.1. The in silico tool REVEL predicts a benign effect on protein function, but to our knowledge this prediction has not been confirmed by functional studies. To our knowledge, this variant has not been reported in individuals with Neurofibromatosis type 1. In summary, the evidence currently available is insufficient to determine the clinical significance of this variant. It has therefore been classified as of uncertain significance.

Ambry Genetics
Classification: Likely benign for Cardiovascular phenotype; Hereditary cancer-predisposing syndrome. Last evaluated: 2022-12-09. Review status: criteria provided, single submitter. Criteria: Ambry Variant Classification Scheme 2023. Collection method: clinical testing. Allele origin: germline.

Women's Health and Genetics/Laboratory Corporation of America, LabCorp
Classification: Uncertain significance. Last evaluated: 2022-05-05. Review status: criteria provided, single submitter. Criteria: LabCorp Variant Classification Summary - May 2015. Collection method: clinical testing. Allele origin: germline.
Comment: Variant summary: NF1 c.2032C>G (p.Pro678Ala) results in a non-conservative amino acid change in the encoded protein sequence. Three of five in-silico tools predict a benign effect of the variant on protein function. The variant allele was found at a frequency of 1.2e-05 in 250606 control chromosomes (gnomAD). The available data on variant occurrences in the general population are insufficient to allow any conclusion about variant significance. To our knowledge, no occurrence of c.2032C>G in individuals affected with Neurofibromatosis Type 1 and no experimental evidence demonstrating its impact on protein function have been reported. Two ClinVar submitters have assessed the variant since 2014: both classified the variant as of uncertain significance. Based on the evidence outlined above, the variant was classified as uncertain significance.

GeneDx
Classification: Uncertain significance. Last evaluated: 2022-04-20. Review status: criteria provided, single submitter. Criteria: GeneDx Variant Classification Process June 2021. Collection method: clinical testing. Allele origin: germline. Affected: yes.
Comment: In silico analysis supports that this missense variant does not alter protein structure/function; Has not been previously published as pathogenic or benign to our knowledge; This variant is associated with the following publications: (PMID: 25486365)

Genome-Nilou Lab
Classification: Uncertain significance for Neurofibromatosis, type 1. Last evaluated: 2022-03-15. Review status: criteria provided, single submitter. Criteria: ACMG Guidelines, 2015. Collection method: clinical testing. Allele origin: germline. Affected: no.

Sema4
Classification: Uncertain significance for Hereditary cancer-predisposing syndrome. Last evaluated: 2021-10-21. Review status: criteria provided, single submitter. Criteria: Sema4 Curation Guidelines. Collection method: curation. Allele origin: germline.
Comment: The NF1 c.2032C>G (p.P678A) variant has not been reported in the literature in individuals with NF1-related disease. It was observed in 5/24956 chromosomes of the African/African American subpopulation in the large and broad cohorts of the Genome Aggregation Database (PMID: 32461654). The variant has been reported in ClinVar (Variation ID: 231733). Functional studies have not been performed, and in silico predictions of the variant's effect on protein function are inconclusive. The evidence is insufficient to meet ACMG/AMP criteria for classifying the variant as benign or pathogenic. Thus, the clinical significance of this variant is currently uncertain.

Ambry Genetics
Classification: Uncertain significance for Hereditary cancer-predisposing syndrome. Last evaluated: 2015-05-07. Review status: criteria provided, single submitter. Criteria: Ambry Autosomal Dominant and X-Linked criteria (10/2015). Collection method: clinical testing. Allele origin: germline. Observed: 1 variant allele.
Comment: The p.P678A variant (also known as c.2032C>G), located in coding exon 18 of the NF1 gene, results from a C to G substitution at nucleotide position 2032. The proline at codon 678 is replaced by alanine, an amino acid with highly similar properties. This amino acid position is highly conserved in available vertebrate species. In addition, this alteration is predicted to be tolerated by in silico analysis. Since supporting evidence is limited at this time, the clinical significance of p.P678A remains unclear.

Literature cited by the submitters: PubMed 10678181 (cited by Women's Health and Genetics/Laboratory Corporation of America, LabCorp); PubMed 23460398 (cited by Women's Health and Genetics/Laboratory Corporation of America, LabCorp); PubMed 29872168 (cited by Women's Health and Genetics/Laboratory Corporation of America, LabCorp); PubMed 27069254 (cited by Women's Health and Genetics/Laboratory Corporation of America, LabCorp).